The following is an entry in ClinVar:

ClinVar aggregate classification (germline): Likely pathogenic (1 of 4 stars; one submission).

Conditions:
Ehlers-Danlos syndrome, dermatosparaxis type. Also called: Dermatosparaxis; EDS VIIC; Ehlers-Danlos syndrome, type VII, autosomal recessive. Identifiers: Orphanet 1901, MedGen C2700425, MONDO:0009161, OMIM 225410.

Submission:

Myriad Genetics, Inc.
Classification: Likely pathogenic for Ehlers-Danlos syndrome, dermatosparaxis type. Last evaluated: 2022-04-14. Review status: criteria provided, single submitter. Criteria: Myriad Women's Health Autosomal Recessive and X-Linked Classification Criteria (2021). Collection method: clinical testing. Allele origin: unknown.
Comment: NM_014244.4(ADAMTS2):c.59_63del5ins7(L20Qfs*146) is expected to be pathogenic in the context of Ehlers-Danlos syndrome type VIIC. This variant is predicted to lead to an abnormal or absent protein product due to the creation of a premature termination codon in ADAMTS2, a gene where loss-of-function variants are known to be pathogenic. Please note: this variant was assessed in the context of healthy population screening.

NM_014244.5(ADAMTS2):c.59_63delinsAGCAGCA (p.Leu20fs)

Gene: ADAMTS2 (ADAM metallopeptidase with thrombospondin type 1 motif 2; minus strand). Cytogenetic location: 5q35.3.
Variant type: Indel.
Coding change: c.59_63delinsAGCAGCA on transcript NM_014244.5 (MANE Select); coding-DNA positions 59 to 63, TGCTG replaced by AGCAGCA.
Protein change: p.Leu20fs; shifts the reading frame from leucine 20.
Molecular consequence: frameshift variant.
Genome position (GRCh38, 1-based): chr5:179,345,266-179,345,270, CAGCA replaced by TGCTGCT on the plus strand (TGCTG replaced by AGCAGCA on the coding strand, the reverse complement: ADAMTS2 is on the minus strand). VCF-style: chr5-179345266-CAGCA-TGCTGCT. GRCh37 (hg19) VCF-style: chr5-178772267-CAGCA-TGCTGCT.
Other names: c.59_63delinsAGCAGCA, p.Leu20fs (NM_021599.4); short protein forms L20fs.
Identifiers: ClinVar variation 1725923 (VCV001725923.2), dbSNP rs2532193653, ClinGen allele CA2580074175.